The following is an entry in ClinVar:

ClinVar aggregate classification (germline): Uncertain significance. Review status: criteria provided, multiple submitters, no conflicts (2 of 4 stars). 2 submissions from 2 submitters: Uncertain significance (2). Last evaluated 2025-02-01.

Conditions:
Developmental and epileptic encephalopathy, 1 (DEE1). Also called: INFANTILE SPASM SYNDROME, X-LINKED 1; Epileptic encephalopathy, early infantile, 1; X-linked infantile spasms; West's syndrome; Tonic spasms with clustering, arrest of psychomotor development and hypsarrhythmia on EEG; X-Linked Infantile Spasm Syndrome. Identifiers: MedGen C3463992, MONDO:0010632, OMIM 308350. Disease mechanism: loss of function.
Intellectual disability, X-linked, with or without seizures, ARX-related. Also called: MENTAL RETARDATION, X-LINKED 29; MENTAL RETARDATION, X-LINKED 32; MENTAL RETARDATION, X-LINKED 33; MENTAL RETARDATION, X-LINKED 38; MENTAL RETARDATION, X-LINKED 43; MENTAL RETARDATION, X-LINKED 76. Identifiers: Orphanet 777, MedGen C0796244, MONDO:0010317, OMIM 300419.

Allele frequency attached by ClinVar (database versions not stated): TOPMed below 0.00001; gnomAD 0.00001; gnomAD exomes 0.00006.

Submissions (2):

CeGaT Center for Human Genetics Tuebingen
Classification: Uncertain significance. Last evaluated: 2025-02-01. Review status: criteria provided, single submitter. Criteria: CeGaT Center For Human Genetics Tuebingen Variant Classification Criteria Version 2. Collection method: clinical testing. Allele origin: germline. Affected: yes. Observed: 1 variant allele.
Comment: ARX: PP3

Labcorp Genetics (formerly Invitae), Labcorp
Classification: Uncertain significance for Developmental and epileptic encephalopathy, 1; Intellectual disability, X-linked, with or without seizures, ARX-related. Last evaluated: 2023-12-23. Review status: criteria provided, single submitter. Criteria: Invitae Variant Classification Sherloc (09022015). Collection method: clinical testing. Allele origin: germline.
Comment: This sequence change replaces alanine, which is neutral and non-polar, with proline, which is neutral and non-polar, at codon 148 of the ARX protein (p.Ala148Pro). The frequency data for this variant in the population databases is considered unreliable, as metrics indicate insufficient coverage at this position in the gnomAD database. This variant has not been reported in the literature in individuals affected with ARX-related conditions. Advanced modeling of protein sequence and biophysical properties (such as structural, functional, and spatial information, amino acid conservation, physicochemical variation, residue mobility, and thermodynamic stability) performed at Invitae indicates that this missense variant is not expected to disrupt ARX protein function with a negative predictive value of 95%. In summary, the available evidence is currently insufficient to determine the role of this variant in disease. Therefore, it has been classified as a Variant of Uncertain Significance.

NM_139058.3(ARX):c.442G>C (p.Ala148Pro)

Genes: ARX (aristaless related homeobox; minus strand), LOC109610631 (aristaless related homeobox polyalanine expansion region; plus strand). Cytogenetic location: Xp21.3.
Variant type: single nucleotide variant.
Coding change: c.442G>C on transcript NM_139058.3 (MANE Select); coding-DNA position 442, G replaced by C.
Protein change: p.Ala148Pro; replaces alanine 148 with proline.
Molecular consequence: missense variant.
Genome position (GRCh38, 1-based): chrX:25,013,553, C>G on the plus strand (G>C on the coding strand, the complement: ARX is on the minus strand). VCF-style: chrX-25013553-C-G. GRCh37 (hg19) VCF-style: chrX-25031670-C-G.
Other names: short protein forms A148P.
Identifiers: ClinVar variation 2941484 (VCV002941484.16), dbSNP rs1174418283, ClinGen allele CA412613176.
Genomic context (GRCh38, chrX:25,013,553, plus strand): 5'-TCACCTGCGGCGCCTGGCTGATCTTGAGCGTGTCCCAGGCCGCGGCGGCCGCGGCCGCGG[C>G]TGCCGCGGCGGCCCCTGCGCCGTCCGGCCGTTCCCCGGGCCGCGCGGTTGGCGGTGGCGG-3'
Protein context (NP_620689.1, residues 138-158): RPDGAGAAAA[Ala148Pro]AAAAAAAWDT